The following is an entry in ClinVar:

ClinVar aggregate classification (germline): Uncertain significance (1 of 4 stars; one submission).

Allele frequency attached by ClinVar (database versions not stated): gnomAD 0.00001.
gnomAD v4.1: 1 of 1,614,016 alleles (0.000062%); highest among the groups gnomAD compares: Admixed American, 0.0017%; no homozygotes.

Submission:

Labcorp Genetics (formerly Invitae), Labcorp
Classification: Uncertain significance. Last evaluated: 2021-12-27. Review status: criteria provided, single submitter. Criteria: Invitae Variant Classification Sherloc (09022015). Collection method: clinical testing. Allele origin: germline.
Comment: Advanced modeling of protein sequence and biophysical properties (such as structural, functional, and spatial information, amino acid conservation, physicochemical variation, residue mobility, and thermodynamic stability) performed at Invitae indicates that this missense variant is not expected to disrupt COL2A1 protein function. In summary, the available evidence is currently insufficient to determine the role of this variant in disease. Therefore, it has been classified as a Variant of Uncertain Significance. This variant has not been reported in the literature in individuals affected with COL2A1-related conditions. This sequence change replaces glycine, which is neutral and non-polar, with aspartic acid, which is acidic and polar, at codon 1443 of the COL2A1 protein (p.Gly1443Asp). This variant is not present in population databases (gnomAD no frequency).

NM_001844.5(COL2A1):c.4328G>A (p.Gly1443Asp)

Gene: COL2A1 (collagen type II alpha 1 chain; minus strand). Cytogenetic location: 12q13.11.
Variant type: single nucleotide variant.
Coding change: c.4328G>A on transcript NM_001844.5 (MANE Select); coding-DNA position 4328, G replaced by A.
Protein change: p.Gly1443Asp; replaces glycine 1443 with aspartic acid.
Molecular consequence: missense variant.
Genome position (GRCh38, 1-based): chr12:47,973,543, C>T on the plus strand (G>A on the coding strand, the complement: COL2A1 is on the minus strand). VCF-style: chr12-47973543-C-T. GRCh37 (hg19) VCF-style: chr12-48367326-C-T.
Other names: c.4121G>A, p.Gly1374Asp (NM_033150.3); short protein forms G1374D, G1443D.
Identifiers: ClinVar variation 1497996 (VCV001497996.6), dbSNP rs1938540779, ClinGen allele CA384533353.